The following is an entry in ClinVar:

ClinVar aggregate classification (germline): Likely benign. Review status: criteria provided, multiple submitters, no conflicts (2 of 4 stars). 2 submissions from 2 submitters: Likely benign (2). Last evaluated 2024-05-01.

Conditions:
Familial thoracic aortic aneurysm and aortic dissection (TAAD). Also called: Thoracic aortic aneurysms and dissections. Identifiers: Orphanet 91387, MedGen C4707243, MONDO:0019625.

Submissions (2):

CeGaT Center for Human Genetics Tuebingen
Classification: Likely benign. Last evaluated: 2024-05-01. Review status: criteria provided, single submitter. Criteria: CeGaT Center For Human Genetics Tuebingen Variant Classification Criteria Version 2. Collection method: clinical testing. Allele origin: germline. Affected: yes. Observed: 1 variant allele.
Comment: TGFBR2: PM2:Supporting, BP4, BP7

Labcorp Genetics (formerly Invitae), Labcorp
Classification: Likely benign for Familial thoracic aortic aneurysm and aortic dissection. Last evaluated: 2022-07-02. Review status: criteria provided, single submitter. Criteria: Invitae Variant Classification Sherloc (09022015). Collection method: clinical testing. Allele origin: germline.

NM_003242.6(TGFBR2):c.855C>T (p.Ala285=)

Gene: TGFBR2 (transforming growth factor beta receptor 2; plus strand). Cytogenetic location: 3p24.1.
Variant type: single nucleotide variant.
Coding change: c.855C>T on transcript NM_003242.6 (MANE Select); coding-DNA position 855, C replaced by T.
Protein change: p.Ala285=; no amino-acid change (alanine 285 retained).
Molecular consequence: synonymous variant. On other transcripts: intron variant (1).
Genome position (GRCh38, 1-based): chr3:30,672,038, C>T. VCF-style: chr3-30672038-C-T. GRCh37 (hg19) VCF-style: chr3-30713530-C-T.
Other names: c.930C>T, p.Ala310= (NM_001024847.3); c.1038C>T, p.Ala346= (NM_001407126.1); c.963C>T, p.Ala321= (NM_001407127.1); c.882C>T, p.Ala294= (NM_001407128.1); c.858C>T, p.Ala286= (NM_001407129.1); c.855C>T, p.Ala285= (NM_001407130.1); c.750C>T, p.Ala250= (NM_001407132.1, NM_001407133.1, NM_001407134.1 and 2 more transcripts); c.570C>T, p.Ala190= (NM_001407137.1); and 2 more.
Identifiers: ClinVar variation 2193288 (VCV002193288.23), dbSNP rs2125434708, ClinGen allele CA433058830.